The following is an entry in ClinVar:

ClinVar aggregate classification (germline): Uncertain significance (1 of 4 stars; one submission).

Conditions:
Autosomal dominant Parkinson disease 8. Also called: Parkinson disease 8, susceptibility to; LRRK2-Related Parkinson Disease; Parkinson disease 8. Identifiers: Orphanet 411602, MedGen C1846862, MONDO:0011764, OMIM 607060.

Submission:

Labcorp Genetics (formerly Invitae), Labcorp
Classification: Uncertain significance for Autosomal dominant Parkinson disease 8. Last evaluated: 2024-05-17. Review status: criteria provided, single submitter. Criteria: Invitae Variant Classification Sherloc (09022015). Collection method: clinical testing. Allele origin: germline.
Comment: This sequence change replaces valine, which is neutral and non-polar, with isoleucine, which is neutral and non-polar, at codon 191 of the LRRK2 protein (p.Val191Ile). This variant also falls at the last nucleotide of exon 5, which is part of the consensus splice site for this exon. This variant is not present in population databases (gnomAD no frequency). This variant has not been reported in the literature in individuals affected with LRRK2-related conditions. An algorithm developed to predict the effect of missense changes on protein structure and function (PolyPhen-2) suggests that this variant is likely to be disruptive. Variants that disrupt the consensus splice site are a relatively common cause of aberrant splicing (PMID: 17576681, 9536098). Algorithms developed to predict the effect of sequence changes on RNA splicing suggest that this variant may disrupt the consensus splice site. In summary, the available evidence is currently insufficient to determine the role of this variant in disease. Therefore, it has been classified as a Variant of Uncertain Significance.

Literature cited by the submitters: PubMed 17576681; PubMed 9536098.

NM_198578.4(LRRK2):c.571G>A (p.Val191Ile)

Gene: LRRK2 (leucine rich repeat kinase 2; plus strand). Cytogenetic location: 12q12.
Variant type: single nucleotide variant.
Coding change: c.571G>A on transcript NM_198578.4 (MANE Select); coding-DNA position 571, G replaced by A.
Protein change: p.Val191Ile; replaces valine 191 with isoleucine.
Molecular consequence: missense variant.
Genome position (GRCh38, 1-based): chr12:40,238,103, G>A. VCF-style: chr12-40238103-G-A. GRCh37 (hg19) VCF-style: chr12-40631905-G-A.
Other names: short protein forms V191I.
Identifiers: ClinVar variation 3698935 (VCV003698935.2).